The following is an entry in ClinVar:

ClinVar aggregate classification (germline): Likely pathogenic. Review status: reviewed by expert panel (3 of 4 stars). 2 submissions from 2 submitters: Likely pathogenic (1). 1 of the submissions does not count toward it. Last evaluated 2023-12-19.

Conditions:
Inborn genetic diseases. Identifiers: MedGen C0950123, MeSH D030342.
Glanzmann thrombasthenia. Also called: Glanzmann's thrombasthenia; PLATELET GLYCOPROTEIN IIb-IIIa DEFICIENCY; BLEEDING DISORDER, PLATELET-TYPE, 2; THROMBASTHENIA OF GLANZMANN AND NAEGELI; Thrombasthenia. Identifiers: Orphanet 849, MedGen C0040015, MONDO:0100326.

Allele frequency attached by ClinVar (database versions not stated): gnomAD exomes below 0.00001.
gnomAD v4.1: 2 of 1,609,114 alleles (0.00012%); highest among the groups gnomAD compares: Non-Finnish European, 0.000085%; no homozygotes.

Submissions (2):

ClinGen Platelet Disorders Variant Curation Expert Panel, ClinGen
Classification: Likely pathogenic for Glanzmann thrombasthenia. Last evaluated: 2023-12-19. Review status: reviewed by expert panel. Criteria: ClinGen Platelet ACMG Specifications v2-1. Collection method: curation. Allele origin: germline. Inheritance: Autosomal recessive inheritance.
Comment: The NM_000212.3(ITGB3):c.941A>C (p.Asp314Ala) missense variant has been reported at least once in literature, in a homozygous patient (PMID:20514620; PM3_supporting). The patient was demonstrated to have lack of platelet aggregation with three physiological agonists (normal with ristocetin) and this was confirmed by flow cytometry. Personal communication with the authors revealed the patient was treated for multiple mucocutaneous bleeding phenotypes (PP4_moderate). The variant is absent from all population database cohorts, including gnomAD (PM2_supporting) and is predicted deleterious (REVEL score 0.974; PP3). The Asp314Alal variant occurs at the same residue as Asp314Tyr (classified Likely Pathogenic by the PD-EP; PM5_supporting). In summary this variant meets criteria to be classified as likely pathogenic for GT. GT-specific criteria applied: PM2_supporting, PM3_supporitng, PM5_supporting, PP3, and PP4_moderate.

Ambry Genetics
Classification: Uncertain significance for Inborn genetic diseases. Last evaluated: 2025-08-09. Review status: criteria provided, single submitter. Criteria: Ambry Variant Classification Scheme 2023. Collection method: clinical testing. Allele origin: germline. Not counted in ClinVar's aggregate classification.

NM_000212.3(ITGB3):c.941A>C (p.Asp314Ala)

Gene: ITGB3 (integrin subunit beta 3; plus strand). Cytogenetic location: 17q21.32.
Variant type: single nucleotide variant.
Coding change: c.941A>C on transcript NM_000212.3 (MANE Select); coding-DNA position 941, A replaced by C.
Protein change: p.Asp314Ala; replaces aspartic acid 314 with alanine.
Molecular consequence: missense variant.
Genome position (GRCh38, 1-based): chr17:47,289,682, A>C. VCF-style: chr17-47289682-A-C. GRCh37 (hg19) VCF-style: chr17-45367048-A-C.
Other names: c.941A>C (NM_000212.2); short protein forms D314A.
Identifiers: ClinVar variation 996159 (VCV000996159.4), dbSNP rs2065117736, ClinGen allele CA400025615.